The following is an entry in ClinVar:

NM_144670.6(A2ML1):c.2914G>A (p.Glu972Lys)

Gene: A2ML1 (alpha-2-macroglobulin like 1; plus strand). Cytogenetic location: 12p13.31.
Variant type: single nucleotide variant.
Coding change: c.2914G>A on transcript NM_144670.6 (MANE Select); coding-DNA position 2914, G replaced by A.
Protein change: p.Glu972Lys; replaces glutamic acid 972 with lysine.
Molecular consequence: missense variant.
Genome position (GRCh38, 1-based): chr12:8,857,229, G>A. VCF-style: chr12-8857229-G-A. GRCh37 (hg19) VCF-style: chr12-9009825-G-A.
Other names: c.1441G>A, p.Glu481Lys (NM_001282424.3); short protein forms E481K, E972K.
Identifiers: ClinVar variation 1044617 (VCV001044617.10), dbSNP rs760545562, ClinGen allele CA6436202.

ClinVar aggregate classification (germline): Uncertain significance (1 of 4 stars; one submission).

Allele frequency attached by ClinVar (database versions not stated): gnomAD 0.00001; gnomAD exomes 0.00001; TOPMed 0.00001; ExAC 0.00002.
gnomAD v4.1: 39 of 1,613,058 alleles (0.0024%); highest among the groups gnomAD compares: African/African-American, 0.0067%; no homozygotes.

Submission:

Labcorp Genetics (formerly Invitae), Labcorp
Classification: Uncertain significance. Last evaluated: 2024-03-27. Review status: criteria provided, single submitter. Criteria: Invitae Variant Classification Sherloc (09022015). Collection method: clinical testing. Allele origin: germline.
Comment: This sequence change replaces glutamic acid, which is acidic and polar, with lysine, which is basic and polar, at codon 972 of the A2ML1 protein (p.Glu972Lys). This variant is present in population databases (rs760545562, gnomAD 0.008%). This variant has not been reported in the literature in individuals affected with A2ML1-related conditions. ClinVar contains an entry for this variant (Variation ID: 1044617). An algorithm developed to predict the effect of missense changes on protein structure and function (PolyPhen-2) suggests that this variant is likely to be disruptive. In summary, the available evidence is currently insufficient to determine the role of this variant in disease. Therefore, it has been classified as a Variant of Uncertain Significance.